The following is an entry in ClinVar:

ClinVar aggregate classification (germline): Likely benign. Review status: criteria provided, single submitter (1 of 4 stars). 2 submissions from 2 submitters: Likely benign (1). 1 of the submissions does not count toward it. Last evaluated 2024-02-28.

Conditions:
RS1-related disorder. Also called: RS1-related condition.

Allele frequency attached by ClinVar (database versions not stated): gnomAD exomes below 0.00001 and 0.00001; ExAC 0.00001; TOPMed 0.00001; gnomAD 0.00003.
gnomAD v4.1: 5 of 1,208,371 alleles (0.00041%); highest among the groups gnomAD compares: Admixed American, 0.011%; no homozygotes.

Submissions (2):

Labcorp Genetics (formerly Invitae), Labcorp
Classification: Likely benign. Last evaluated: 2024-02-28. Review status: criteria provided, single submitter. Criteria: Invitae Variant Classification Sherloc (09022015). Collection method: clinical testing. Allele origin: germline.

PreventionGenetics, part of Exact Sciences
Classification: Likely benign for RS1-related condition. Last evaluated: 2019-03-22. Review status: no assertion criteria provided. Collection method: clinical testing. Allele origin: germline. Not counted in ClinVar's aggregate classification.
Comment: This variant is classified as likely benign based on ACMG/AMP sequence variant interpretation guidelines (Richards et al. 2015 PMID: 25741868, with internal and published modifications).

NM_000330.4(RS1):c.6A>T (p.Ser2=)

Gene: RS1 (retinoschisin 1; minus strand). Cytogenetic location: Xp22.13.
Variant type: single nucleotide variant.
Coding change: c.6A>T on transcript NM_000330.4 (MANE Select); coding-DNA position 6, A replaced by T.
Protein change: p.Ser2=; no amino-acid change (serine 2 retained).
Molecular consequence: synonymous variant.
Genome position (GRCh38, 1-based): chrX:18,672,063, T>A on the plus strand (A>T on the coding strand, the complement: RS1 is on the minus strand). VCF-style: chrX-18672063-T-A. GRCh37 (hg19) VCF-style: chrX-18690183-T-A.
Other names: c.6A>T (NM_000330.3).
Identifiers: ClinVar variation 1153655 (VCV001153655.11), dbSNP rs780257454, ClinGen allele CA10360839.
Genomic context (GRCh38, chrX:18,672,063, plus strand): 5'-TGAATAGCACATACCTTCATAGCCAAAGAGAAGTAATAACAAAAAGCCTTCTATCTTGCG[T>A]GACATCTTCCCCTCGTCCTCGGCCAAAGCTCTACCTTACTGAACTGGAGAGCTGGCCCAG-3'
Protein context (NP_000321.1, residues 1-12): M[Ser2=]RKIEGFLLLL